The following is an entry in ClinVar:

ClinVar aggregate classification (germline): Uncertain significance (1 of 4 stars; one submission).

Conditions:
Hereditary cancer-predisposing syndrome. Also called: Neoplastic Syndromes, Hereditary; Tumor predisposition; Hereditary Cancer Syndrome; Hereditary neoplastic syndrome. Identifiers: Orphanet 140162, MedGen C0027672, MeSH D009386, MONDO:0015356.

Allele frequency attached by ClinVar (database versions not stated): gnomAD 0.00001; gnomAD exomes 0.00001; ExAC 0.00002; TOPMed 0.00002.
gnomAD v4.1: 8 of 1,612,316 alleles (0.0005%); highest among the groups gnomAD compares: South Asian, 0.0011%; no homozygotes.

Submission:

Color Diagnostics, LLC DBA Color Health
Classification: Uncertain significance for Hereditary cancer-predisposing syndrome. Last evaluated: 2019-07-09. Review status: criteria provided, single submitter. Criteria: ACMG Guidelines, 2015. Collection method: clinical testing. Allele origin: germline.
Comment: This variant is located in the 3' untranslated region of the BMPR1A gene. To our knowledge, functional studies have not been performed for this variant. This variant has not been reported in individuals affected with hereditary cancer in the literature. This variant has been identified in 3/250024 chromosomes in the general population by the Genome Aggregation Database (gnomAD). The available evidence is insufficient to determine the role of this variant in disease conclusively. Therefore, this variant is classified as a Variant of Uncertain Significance.

NM_004329.3(BMPR1A):c.*14G>A

Gene: BMPR1A (bone morphogenetic protein receptor type 1A; plus strand). Cytogenetic location: 10q23.2.
Variant type: single nucleotide variant.
Coding change: c.*14G>A on transcript NM_004329.3 (MANE Select); 14 bases downstream of the stop codon, G replaced by A.
Molecular consequence: 3 prime UTR variant.
Genome position (GRCh38, 1-based): chr10:86,923,733, G>A. VCF-style: chr10-86923733-G-A. GRCh37 (hg19) VCF-style: chr10-88683490-G-A.
Identifiers: ClinVar variation 921301 (VCV000921301.3), dbSNP rs760997608, ClinGen allele CA5585755.